The following is an entry in ClinVar:

ClinVar aggregate classification (germline): Benign. Review status: criteria provided, multiple submitters, no conflicts (2 of 4 stars). 2 submissions from 2 submitters: Benign (2). Last evaluated 2018-01-12.

Conditions:
Autoimmune lymphoproliferative syndrome type 2B. Also called: AUTOIMMUNE LYMPHOPROLIFERATIVE SYNDROME, TYPE IIB. Identifiers: Orphanet 275517, MedGen C1846545, MONDO:0011804, OMIM 607271.

Allele frequency attached by ClinVar (database versions not stated): 1000 Genomes Project 0.02556; 1000 Genomes Project 30x 0.02577; TOPMed 0.03309; gnomAD 0.03449 and 0.03575; gnomAD exomes 0.04558.
gnomAD v4.1: 8,563 of 221,302 alleles (3.9%); highest among the groups gnomAD compares: South Asian, 7.4%; 262 homozygotes.

Submissions (2):

Illumina Laboratory Services, Illumina
Classification: Benign for Autoimmune lymphoproliferative syndrome type 2B. Last evaluated: 2018-01-12. Review status: criteria provided, single submitter. Criteria: ICSL Variant Classification Criteria 13 December 2019. Collection method: clinical testing. Allele origin: germline.
Comment: This variant was observed in the ICSL laboratory as part of a predisposition screen in an ostensibly healthy population. It had not been previously curated by ICSL or reported in the Human Gene Mutation Database (HGMD: prior to June 1st, 2018), and was therefore a candidate for classification through an automated scoring system. Utilizing variant allele frequency, disease prevalence and penetrance estimates, and inheritance mode, an automated score was calculated to assess if this variant is too frequent to cause the disease. Based on the score and internal cut-off values, a variant classified as benign is not then subjected to further curation. The score for this variant resulted in a classification of benign for this disease.

Breakthrough Genomics
Classification: Benign. Review status: criteria provided, single submitter. Criteria: ACMG Guidelines, 2015. Collection method: not provided. Allele origin: germline. Inheritance: Autosomal recessive inheritance. Affected: yes.

NM_001372051.1(CASP8):c.*429A>G

Gene: CASP8 (caspase 8; plus strand). Cytogenetic location: 2q33.1.
Variant type: single nucleotide variant.
Coding change: c.*429A>G on transcript NM_001372051.1 (MANE Select); 429 bases downstream of the stop codon, A replaced by G.
Molecular consequence: 3 prime UTR variant. On other transcripts: non-coding transcript variant (22).
Genome position (GRCh38, 1-based): chr2:201,287,023, A>G. VCF-style: chr2-201287023-A-G. GRCh37 (hg19) VCF-style: chr2-202151746-A-G.
Other names: c.*429A>G (NM_001080124.2, NM_001080125.2, NM_001228.5 and 35 more transcripts).
Identifiers: ClinVar variation 333519 (VCV000333519.6), dbSNP rs17860433, ClinGen allele CA10612408.